The following is an entry in ClinVar:

ClinVar aggregate classification (germline): Uncertain significance. Review status: criteria provided, multiple submitters, no conflicts (2 of 4 stars). 2 submissions from 2 submitters: Uncertain significance (2). Last evaluated 2022-06-15.

Allele frequency attached by ClinVar (database versions not stated): ExAC 0.00001; gnomAD 0.00001.
gnomAD v4.1: 10 of 1,608,608 alleles (0.00062%); highest among the groups gnomAD compares: Non-Finnish European, 0.00085%; no homozygotes.

Submissions (2):

Labcorp Genetics (formerly Invitae), Labcorp
Classification: Uncertain significance. Last evaluated: 2022-06-15. Review status: criteria provided, single submitter. Criteria: Invitae Variant Classification Sherloc (09022015). Collection method: clinical testing. Allele origin: germline.
Comment: This sequence change replaces valine, which is neutral and non-polar, with methionine, which is neutral and non-polar, at codon 382 of the USH2A protein (p.Val382Met). RNA analysis indicates that this missense change induces altered splicing and may result in an absent or disrupted protein product. This variant is present in population databases (rs750651679, gnomAD 0.002%). This missense change has been observed in individual(s) with Usher syndrome (PMID: 22004887). Algorithms developed to predict the effect of missense changes on protein structure and function are either unavailable or do not agree on the potential impact of this missense change (SIFT: "Deleterious"; PolyPhen-2: "Probably Damaging"; Align-GVGD: "Class C15"). Studies have shown that this missense change results in skipping of exon 7 and introduces a premature termination codon (PMID: 22004887). The resulting mRNA is expected to undergo nonsense-mediated decay. In summary, the available evidence is currently insufficient to determine the role of this variant in disease. Therefore, it has been classified as a Variant of Uncertain Significance.

Blueprint Genetics
Classification: Uncertain significance. Last evaluated: 2017-08-10. Review status: criteria provided, single submitter. Criteria: ACMG Guidelines, 2015. Collection method: clinical testing. Allele origin: germline.

Literature cited by the submitters: PubMed 22004887 (cited by Labcorp Genetics (formerly Invitae), Labcorp).

NM_206933.4(USH2A):c.1144G>A (p.Val382Met)

Gene: USH2A (usherin; minus strand). Cytogenetic location: 1q41.
Variant type: single nucleotide variant.
Coding change: c.1144G>A on transcript NM_206933.4 (MANE Select); coding-DNA position 1144, G replaced by A.
Protein change: p.Val382Met; replaces valine 382 with methionine.
Molecular consequence: missense variant.
Genome position (GRCh38, 1-based): chr1:216,324,352, C>T on the plus strand (G>A on the coding strand, the complement: USH2A is on the minus strand). VCF-style: chr1-216324352-C-T. GRCh37 (hg19) VCF-style: chr1-216497694-C-T.
Other names: c.1144G>A, p.Val382Met (NM_007123.6); short protein forms V382M.
Identifiers: ClinVar variation 1516354 (VCV001516354.6), dbSNP rs750651679, ClinGen allele CA1396585.